The following is an entry in ClinVar:

ClinVar aggregate classification (germline): Likely pathogenic (1 of 4 stars; one submission).

Conditions:
Primary Mitochondrial Disorders. Identifiers: MedGen CN381104.

Submission:

Variantyx, Inc.
Classification: Likely pathogenic for Primary mitochondrial disorders. Last evaluated: 2025-12-16. Review status: criteria provided, single submitter. Criteria: Variantyx Assertion Criteria 2022. Collection method: clinical testing. Allele origin: germline. Inheritance: Mitochondrial inheritance. Affected: no.
Comment: The m.16015T>C change is a variant in the MT-TP gene which encodes the mitochondrial transfer RNA for proline. Pathogenic variants in this gene have been associated with primary mitochondrial disorders. It is recommended to test several tissues in the mother by NGS to fully assess for the presence and level of this mtDNA variant. This variant has been reported in at least one affected individual from different top-level haplogroups (PMID:27536729) (PS4). Functional studies demonstrate a deleterious effect for this variant (PMID: 27536729) (PS3_Moderate) supported by computational algorithms (Aggregate Predicted Severity Score: 0.83) (PP3). This variant is absent from control populations (PM2). Based on the current evidence, this variant is classified as likely pathogenic for primary mitochondrial disorders.

Literature cited by the submitters: PubMed 27536729.

NC_012920.1(MT-TP):m.16015T>C

Gene: MT-TP (mitochondrially encoded tRNA proline; minus strand).
Variant type: single nucleotide variant.
Genome position: chrM-16015-T-C.
Identifiers: ClinVar variation 4795902 (VCV004795902.1).
Genomic context (GRCh38, chrMT:16,015, plus strand): 5'-ATCAGAGAAAAAGTCTTTAACTCCACCATTAGCACCCAAAGCTAAGATTCTAATTTAAAC[T>C]ATTCTCTGTTCTTTCATGGGGAAGCAGATTTGGGTACCACCCAAGTATTGACTCACCCAT-3'